The following is an entry in ClinVar:

NM_014244.5(ADAMTS2):c.3232C>T (p.Arg1078Cys)

Gene: ADAMTS2 (ADAM metallopeptidase with thrombospondin type 1 motif 2; minus strand). Cytogenetic location: 5q35.3.
Variant type: single nucleotide variant.
Coding change: c.3232C>T on transcript NM_014244.5 (MANE Select); coding-DNA position 3232, C replaced by T.
Protein change: p.Arg1078Cys; replaces arginine 1078 with cysteine.
Molecular consequence: missense variant.
Genome position (GRCh38, 1-based): chr5:179,114,271, G>A on the plus strand (C>T on the coding strand, the complement: ADAMTS2 is on the minus strand). VCF-style: chr5-179114271-G-A. GRCh37 (hg19) VCF-style: chr5-178541272-G-A.
Other names: short protein forms R1078C.
Identifiers: ClinVar variation 469676 (VCV000469676.7), dbSNP rs755578308, ClinGen allele CA3595267.
Genomic context (GRCh38, chr5:179,114,271, plus strand): 5'-TGTTGTACAGGTTACAGGACTTGCAGCACAGCTTGTTGTAGCCTGGGATGGAGCAATAGC[G>A]GGACAAGACTTCCATCCTACAGAATATTGACTTGTCGCCTTGGCAGTGGCCCTCTGAAAA-3'
Protein context (NP_055059.2, residues 1068-1088): SIFCRMEVLS[Arg1078Cys]YCSIPGYNKL

ClinVar aggregate classification (germline): Uncertain significance. Review status: criteria provided, multiple submitters, no conflicts (2 of 4 stars). 4 submissions from 4 submitters: Uncertain significance (3). 1 of the submissions does not count toward it. Last evaluated 2025-05-20.

Conditions:
Ehlers-Danlos syndrome, dermatosparaxis type. Also called: EDS VIIC; Dermatosparaxis; Ehlers-Danlos syndrome, type VII, autosomal recessive. Identifiers: Orphanet 1901, MedGen C2700425, MONDO:0009161, OMIM 225410.
Inborn genetic diseases. Identifiers: MedGen C0950123, MeSH D030342.

Allele frequency attached by ClinVar (database versions not stated): ExAC 0.00001; gnomAD exomes 0.00001; gnomAD 0.00002 and 0.00003; TOPMed 0.00002.
gnomAD v4.1: 22 of 1,614,030 alleles (0.0014%); highest among the groups gnomAD compares: African/African-American, 0.004%; no homozygotes.

Submissions (4):

Ambry Genetics
Classification: Uncertain significance for Inborn genetic diseases. Last evaluated: 2025-05-20. Review status: criteria provided, single submitter. Criteria: Ambry Variant Classification Scheme 2023. Collection method: clinical testing. Allele origin: germline.

Women's Health and Genetics/Laboratory Corporation of America, LabCorp
Classification: Uncertain significance. Last evaluated: 2025-02-24. Review status: criteria provided, single submitter. Criteria: LabCorp Variant Classification Summary - May 2015. Collection method: clinical testing. Allele origin: germline.
Comment: Variant summary: ADAMTS2 c.3232C>T (p.Arg1078Cys) results in a non-conservative amino acid change located in the PLAC domain profile (IPR010909) of the encoded protein sequence. Four of five in-silico tools predict a damaging effect of the variant on protein function. The variant allele was found at a frequency of 1.2e-05 in 251376 control chromosomes. The available data on variant occurrences in the general population are insufficient to allow any conclusion about variant significance. To our knowledge, no occurrence of c.3232C>T in individuals affected with Ehlers-Danlos syndrome, dermatosparaxis type and no experimental evidence demonstrating its impact on protein function have been reported. ClinVar contains an entry for this variant (Variation ID: 469676). Based on the evidence outlined above, the variant was classified as uncertain significance.

Labcorp Genetics (formerly Invitae), Labcorp
Classification: Uncertain significance for Ehlers-Danlos syndrome, dermatosparaxis type. Last evaluated: 2022-07-13. Review status: criteria provided, single submitter. Criteria: Invitae Variant Classification Sherloc (09022015). Collection method: clinical testing. Allele origin: germline.
Comment: This sequence change replaces arginine, which is basic and polar, with cysteine, which is neutral and slightly polar, at codon 1078 of the ADAMTS2 protein (p.Arg1078Cys). This variant is present in population databases (rs755578308, gnomAD 0.004%). This variant has not been reported in the literature in individuals affected with ADAMTS2-related conditions. ClinVar contains an entry for this variant (Variation ID: 469676). Algorithms developed to predict the effect of missense changes on protein structure and function (SIFT, PolyPhen-2, Align-GVGD) all suggest that this variant is likely to be disruptive. In summary, the available evidence is currently insufficient to determine the role of this variant in disease. Therefore, it has been classified as a Variant of Uncertain Significance.

Natera, Inc.
Classification: Uncertain significance for Ehlers-Danlos syndrome type VIIC. Last evaluated: 2019-10-28. Review status: no assertion criteria provided. Collection method: clinical testing. Allele origin: germline. Not counted in ClinVar's aggregate classification.